The following is an entry in ClinVar:

NM_001267550.2(TTN):c.102749C>A (p.Thr34250Lys)

Genes: TTN (titin; minus strand), TTN-AS1 (TTN antisense RNA 1; plus strand). Cytogenetic location: 2q31.2.
Variant type: single nucleotide variant.
Coding change: c.102749C>A on transcript NM_001267550.2 (MANE Select); coding-DNA position 102749, C replaced by A.
Protein change: p.Thr34250Lys; replaces threonine 34250 with lysine.
Molecular consequence: missense variant.
Genome position (GRCh38, 1-based): chr2:178,533,866, G>T on the plus strand (C>A on the coding strand, the complement: TTN is on the minus strand). VCF-style: chr2-178533866-G-T. GRCh37 (hg19) VCF-style: chr2-179398593-G-T.
Other names: c.97826C>A, p.Thr32609Lys (NM_001256850.1); c.75554C>A, p.Thr25185Lys (NM_003319.4); c.95045C>A, p.Thr31682Lys (NM_133378.4); c.75929C>A, p.Thr25310Lys (NM_133432.3); c.76130C>A, p.Thr25377Lys (NM_133437.4); short protein forms T25185K, T25377K, T32609K, T25310K, T31682K, T34250K.
Identifiers: ClinVar variation 662256 (VCV000662256.12), dbSNP rs1575271907, ClinGen allele CA349416837.

ClinVar aggregate classification (germline): Uncertain significance. Review status: criteria provided, multiple submitters, no conflicts (2 of 4 stars). 3 submissions from 3 submitters: Uncertain significance (3). Last evaluated 2022-10-13.

Conditions:
Autosomal recessive limb-girdle muscular dystrophy type 2J (LGMDR10). Also called: Limb-girdle muscular dystrophy, type 2J; MUSCULAR DYSTROPHY, LIMB-GIRDLE, AUTOSOMAL RECESSIVE 10. Identifiers: Orphanet 140922, MedGen C1837342, MONDO:0012127, OMIM 608807.
Dilated cardiomyopathy 1G (CMD1G). Identifiers: Orphanet 154, MedGen C1858763, MONDO:0011400, OMIM 604145.

Submissions (3):

Labcorp Genetics (formerly Invitae), Labcorp
Classification: Uncertain significance for Dilated cardiomyopathy 1G; Autosomal recessive limb-girdle muscular dystrophy type 2J. Last evaluated: 2022-10-13. Review status: criteria provided, single submitter. Criteria: Invitae Variant Classification Sherloc (09022015). Collection method: clinical testing. Allele origin: germline.
Comment: Experimental studies and prediction algorithms are not available or were not evaluated, and the functional significance of this variant is currently unknown. ClinVar contains an entry for this variant (Variation ID: 662256). This variant has not been reported in the literature in individuals affected with TTN-related conditions. This variant is not present in population databases (gnomAD no frequency). This sequence change replaces threonine, which is neutral and polar, with lysine, which is basic and polar, at codon 34250 of the TTN protein (p.Thr34250Lys). This variant is located in the M band of TTN (PMID: 25589632). Variants in this region may be relevant for neuromuscular disorders, but have not been definitively shown to cause cardiomyopathy (PMID: 23975875). In summary, the available evidence is currently insufficient to determine the role of this variant in disease. Therefore, it has been classified as a Variant of Uncertain Significance.

Revvity Omics, Revvity
Classification: Uncertain significance. Last evaluated: 2019-08-29. Review status: criteria provided, single submitter. Criteria: ACMG Guidelines, 2015. Collection method: clinical testing. Allele origin: germline.

GeneDx
Classification: Uncertain significance. Last evaluated: 2019-05-07. Review status: criteria provided, single submitter. Criteria: GeneDx Variant Classification Process June 2021. Collection method: clinical testing. Allele origin: germline. Affected: yes.

Literature cited by the submitters: PubMed 25589632 (cited by Labcorp Genetics (formerly Invitae), Labcorp); PubMed 23975875 (cited by Labcorp Genetics (formerly Invitae), Labcorp).